The following is an entry in ClinVar:

NM_001349253.2(SCN11A):c.2947A>C (p.Lys983Gln)

Gene: SCN11A (sodium voltage-gated channel alpha subunit 11; minus strand). Cytogenetic location: 3p22.2.
Variant type: single nucleotide variant.
Coding change: c.2947A>C on transcript NM_001349253.2 (MANE Select); coding-DNA position 2947, A replaced by C.
Protein change: p.Lys983Gln; replaces lysine 983 with glutamine.
Molecular consequence: missense variant.
Genome position (GRCh38, 1-based): chr3:38,886,127, T>G on the plus strand (A>C on the coding strand, the complement: SCN11A is on the minus strand). VCF-style: chr3-38886127-T-G. GRCh37 (hg19) VCF-style: chr3-38927618-T-G.
Other names: c.2947A>C, p.Lys983Gln (NM_014139.3); short protein forms K983Q.
Identifiers: ClinVar variation 2923028 (VCV002923028.3), dbSNP rs1553635702, ClinGen allele CA352174007.
Genomic context (GRCh38, chr3:38,886,127, plus strand): 5'-CTGGAGAAGGTGTGTGGATGAGCCACAAGTTCCTCTGACAACATCCTAGGAAAATTACCT[T>G]TCGGGGATCCTGTATGGTCAGATGAGGCTCATCTTCAGAGAACATGTCAATTTCCACACT-3'
Protein context (NP_001336182.1, residues 973-993): EPHLTIQDPR[Lys983Gln]KSDVTSILSE

ClinVar aggregate classification (germline): Uncertain significance (1 of 4 stars; one submission).

Conditions:
Hereditary sensory and autonomic neuropathy type 7. Also called: Neuropathy, hereditary sensory and autonomic, type VII; HSAN VII. Identifiers: Orphanet 391397, MedGen C3809882, MONDO:0014244, OMIM 615548.
Familial episodic pain syndrome with predominantly lower limb involvement. Also called: Episodic pain syndrome, familial, 3. Identifiers: Orphanet 391384, Orphanet 391392, MedGen C3809899, MONDO:0014247, OMIM 615552.

Submission:

Labcorp Genetics (formerly Invitae), Labcorp
Classification: Uncertain significance for Familial episodic pain syndrome with predominantly lower limb involvement; Hereditary sensory and autonomic neuropathy type 7. Last evaluated: 2022-12-02. Review status: criteria provided, single submitter. Criteria: Invitae Variant Classification Sherloc (09022015). Collection method: clinical testing. Allele origin: germline.
Comment: In summary, the available evidence is currently insufficient to determine the role of this variant in disease. Therefore, it has been classified as a Variant of Uncertain Significance. Algorithms developed to predict the effect of missense changes on protein structure and function are either unavailable or do not agree on the potential impact of this missense change (SIFT: "Deleterious"; PolyPhen-2: "Possibly Damaging"; Align-GVGD: "Class C0"). This variant has not been reported in the literature in individuals affected with SCN11A-related conditions. This variant is not present in population databases (gnomAD no frequency). This sequence change replaces lysine, which is basic and polar, with glutamine, which is neutral and polar, at codon 983 of the SCN11A protein (p.Lys983Gln).